The following is an entry in ClinVar:

NM_001145715.3(KPNA7):c.228C>A (p.Ile76=)

Gene: KPNA7 (karyopherin subunit alpha 7; minus strand). Cytogenetic location: 7q22.1.
Variant type: single nucleotide variant.
Coding change: c.228C>A on transcript NM_001145715.3 (MANE Select); coding-DNA position 228, C replaced by A.
Protein change: p.Ile76=; no amino-acid change (isoleucine 76 retained).
Molecular consequence: synonymous variant.
Genome position (GRCh38, 1-based): chr7:99,196,140, G>T on the plus strand (C>A on the coding strand, the complement: KPNA7 is on the minus strand). VCF-style: chr7-99196140-G-T. GRCh37 (hg19) VCF-style: chr7-98793763-G-T.
Identifiers: ClinVar variation 2144013 (VCV002144013.1), dbSNP rs1187469663, ClinGen allele CA456849108.

ClinVar aggregate classification (germline): Uncertain significance (1 of 4 stars; one submission).

gnomAD v4.1: 1 of 1,551,758 alleles (0.000064%); highest among the groups gnomAD compares: Admixed American, 0.002%; no homozygotes.

Submission:

Labcorp Genetics (formerly Invitae), Labcorp
Classification: Uncertain significance. Last evaluated: 2022-04-16. Review status: criteria provided, single submitter. Criteria: Invitae Variant Classification Sherloc (09022015). Collection method: clinical testing. Allele origin: germline.
Comment: This sequence change affects codon 76 of the KPNA7 mRNA. It is a 'silent' change, meaning that it does not change the encoded amino acid sequence of the KPNA7 protein. The frequency data for this variant in the population databases is considered unreliable, as metrics indicate poor data quality at this position in the gnomAD database. This variant has not been reported in the literature in individuals affected with KPNA7-related conditions. Algorithms developed to predict the effect of sequence changes on RNA splicing suggest that this variant may disrupt the consensus splice site. In summary, the available evidence is currently insufficient to determine the role of this variant in disease. Therefore, it has been classified as a Variant of Uncertain Significance.